The following is an entry in ClinVar:

NM_000093.5(COL5A1):c.1201G>C (p.Glu401Gln)

Gene: COL5A1 (collagen type V alpha 1 chain; plus strand). Cytogenetic location: 9q34.3.
Variant type: single nucleotide variant.
Coding change: c.1201G>C on transcript NM_000093.5 (MANE Select); coding-DNA position 1201, G replaced by C.
Protein change: p.Glu401Gln; replaces glutamic acid 401 with glutamine.
Molecular consequence: missense variant.
Genome position (GRCh38, 1-based): chr9:134,731,532, G>C. VCF-style: chr9-134731532-G-C. GRCh37 (hg19) VCF-style: chr9-137623378-G-C.
Other names: c.1201G>C, p.Glu401Gln (NM_001278074.1); short protein forms E401Q.
Identifiers: ClinVar variation 1718977 (VCV001718977.6), dbSNP rs1421077496, ClinGen allele CA375450685.

ClinVar aggregate classification (germline): Uncertain significance (1 of 4 stars; one submission).

Conditions:
Ehlers-Danlos syndrome, classic type, 1 (EDSCL1). Also called: EDS I; Ehlers-Danlos syndrome, type 1; EHLERS-DANLOS SYNDROME, GRAVIS TYPE; EHLERS-DANLOS SYNDROME, SEVERE CLASSIC TYPE; Ehlers-Danlos Syndrome, Classic Type, COL5A1-Related. Identifiers: MedGen C0268335, MONDO:0019567, OMIM 130000.

Submission:

Labcorp Genetics (formerly Invitae), Labcorp
Classification: Uncertain significance for Ehlers-Danlos syndrome, classic type, 1. Last evaluated: 2022-07-19. Review status: criteria provided, single submitter. Criteria: Invitae Variant Classification Sherloc (09022015). Collection method: clinical testing. Allele origin: germline.
Comment: In summary, the available evidence is currently insufficient to determine the role of this variant in disease. Therefore, it has been classified as a Variant of Uncertain Significance. This sequence change replaces glutamic acid, which is acidic and polar, with glutamine, which is neutral and polar, at codon 401 of the COL5A1 protein (p.Glu401Gln). This variant is not present in population databases (gnomAD no frequency). This variant has not been reported in the literature in individuals affected with COL5A1-related conditions. Advanced modeling of protein sequence and biophysical properties (such as structural, functional, and spatial information, amino acid conservation, physicochemical variation, residue mobility, and thermodynamic stability) performed at Invitae indicates that this missense variant is not expected to disrupt COL5A1 protein function.